The following is an entry in ClinVar:

NM_001003694.2(BRPF1):c.1739A>G (p.Lys580Arg)

Gene: BRPF1 (bromodomain and PHD finger containing 1; plus strand). Cytogenetic location: 3p25.3.
Variant type: single nucleotide variant.
Coding change: c.1739A>G on transcript NM_001003694.2 (MANE Select); coding-DNA position 1739, A replaced by G.
Protein change: p.Lys580Arg; replaces lysine 580 with arginine.
Molecular consequence: missense variant. On other transcripts: non-coding transcript variant (1).
Genome position (GRCh38, 1-based): chr3:9,741,324, A>G. VCF-style: chr3-9741324-A-G. GRCh37 (hg19) VCF-style: chr3-9783008-A-G.
Other names: c.1739A>G, p.Lys580Arg (NM_001319049.2, NM_001319050.2, NM_001410704.1 and 1 more transcripts); short protein forms K580R.
Identifiers: ClinVar variation 1723109 (VCV001723109.3), dbSNP rs2077025917, ClinGen allele CA351690646.

ClinVar aggregate classification (germline): Uncertain significance (1 of 4 stars; one submission).

Submission:

GeneDx
Classification: Uncertain significance. Last evaluated: 2024-07-07. Review status: criteria provided, single submitter. Criteria: GeneDx Variant Classification Process June 2021. Collection method: clinical testing. Allele origin: germline. Affected: yes.
Comment: Not observed at significant frequency in large population cohorts (gnomAD); In silico analysis indicates that this missense variant does not alter protein structure/function; Has not been previously published as pathogenic or benign to our knowledge